The following is an entry in ClinVar:

ClinVar aggregate classification (germline): Conflicting classifications of pathogenicity. Review status: criteria provided, conflicting classifications (1 of 4 stars). 2 submissions from 2 submitters: Uncertain significance (1); Likely benign (1). Last evaluated 2026-02-27.

Conditions:
Neuropathy, hereditary sensory, type 2C. Also called: Hereditary sensory and autonomic neuropathy type IIC; KIF1A-Related HSAN2 (HSAN2C). Identifiers: Orphanet 970, MedGen C3280168, MONDO:0013634, OMIM 614213.
Hereditary spastic paraplegia 30. Identifiers: Orphanet 101010, MedGen C5235139, MONDO:0012476.
Intellectual disability, autosomal dominant 9 (NESCAVS). Also called: KIF1A-Related Neurodevelopmental Disorder; NESCAV SYNDROME. Identifiers: Orphanet 662367, MedGen C5393830, MONDO:0013656, OMIM 614255.

Allele frequency attached by ClinVar (database versions not stated): TOPMed below 0.00001; gnomAD 0.00001; gnomAD exomes 0.00001 and 0.00003; ExAC 0.00002; ESP Exome Variant Server 0.00008.
gnomAD v4.1: 42 of 1,613,614 alleles (0.0026%); highest among the groups gnomAD compares: Non-Finnish European, 0.0034%; no homozygotes.

Submissions (2):

GeneDx
Classification: Uncertain significance. Last evaluated: 2026-02-27. Review status: criteria provided, single submitter. Criteria: GeneDx Variant Classification Process June 2021. Collection method: clinical testing. Allele origin: germline.
Comment: In silico analysis supports that this missense variant has a deleterious effect on protein structure/function; Has not been previously published as pathogenic or benign to our knowledge

Labcorp Genetics (formerly Invitae), Labcorp
Classification: Likely benign for Hereditary spastic paraplegia 30; Neuropathy, hereditary sensory, type 2C; Intellectual disability, autosomal dominant 9. Last evaluated: 2026-01-19. Review status: criteria provided, single submitter. Criteria: Invitae Variant Classification Sherloc (09022015). Collection method: clinical testing. Allele origin: germline.

NM_001244008.2(KIF1A):c.3935C>A (p.Ser1312Tyr)

Gene: KIF1A (kinesin family member 1A; minus strand). Cytogenetic location: 2q37.3.
Variant type: single nucleotide variant.
Coding change: c.3935C>A on transcript NM_001244008.2 (MANE Select); coding-DNA position 3935, C replaced by A.
Protein change: p.Ser1312Tyr; replaces serine 1312 with tyrosine.
Molecular consequence: missense variant.
Genome position (GRCh38, 1-based): chr2:240,737,135, G>T on the plus strand (C>A on the coding strand, the complement: KIF1A is on the minus strand). VCF-style: chr2-240737135-G-T. GRCh37 (hg19) VCF-style: chr2-241676552-G-T.
Other names: c.3659C>A, p.Ser1220Tyr (NM_001320705.2, NM_001330289.2, NM_001379638.1); c.3734C>A, p.Ser1245Tyr (NM_001330290.2, NM_001379634.1, NM_001379635.1 and 1 more transcripts); c.4010C>A, p.Ser1337Tyr (NM_001379631.1); c.3884C>A, p.Ser1295Tyr (NM_001379632.1); c.3908C>A, p.Ser1303Tyr (NM_001379633.1, NM_001379642.1, NM_001379645.1); c.3746C>A, p.Ser1249Tyr (NM_001379636.1); c.3707C>A, p.Ser1236Tyr (NM_001379637.1, NM_001379648.1); c.3632C>A, p.Ser1211Tyr (NM_001379639.1, NM_001379641.1, NM_001379649.1 and 4 more transcripts); and 1 more; short protein forms S1220Y, S1211Y, S1312Y, S1245Y, S1210Y, S1236Y, S1249Y, S1295Y.
Identifiers: ClinVar variation 664164 (VCV000664164.12), dbSNP rs375758374, ClinGen allele CA2207573.